The following is an entry in ClinVar:

NM_002878.4(RAD51D):c.904-1G>A

Genes: RAD51L3-RFFL (RAD51L3-RFFL readthrough; minus strand), RAD51D (RAD51 paralog D; minus strand). Cytogenetic location: 17q12.
Variant type: single nucleotide variant.
Coding change: c.904-1G>A on transcript NM_002878.4 (MANE Select); the canonical splice acceptor site of the intron before coding-DNA position 904, G replaced by A.
Molecular consequence: splice acceptor variant.
Genome position (GRCh38, 1-based): chr17:35,101,037, C>T on the plus strand (G>A on the coding strand, the complement: RAD51D is on the minus strand). VCF-style: chr17-35101037-C-T. GRCh37 (hg19) VCF-style: chr17-33428056-C-T.
Other names: c.568-1G>A (NM_133629.3); c.964-1G>A (NM_001142571.2).
Identifiers: ClinVar variation 663363 (VCV000663363.6), dbSNP rs1597855564, ClinGen allele CA399086194.

ClinVar aggregate classification (germline): Uncertain significance (1 of 4 stars; one submission).

Conditions:
Breast-ovarian cancer, familial, susceptibility to, 4. Identifiers: Orphanet 145, MedGen C3280345, MONDO:0013669, OMIM 614291.

Submission:

Labcorp Genetics (formerly Invitae), Labcorp
Classification: Uncertain significance for Breast-ovarian cancer, familial, susceptibility to, 4. Last evaluated: 2018-08-01. Review status: criteria provided, single submitter. Criteria: Invitae Variant Classification Sherloc (09022015). Collection method: clinical testing. Allele origin: germline.
Comment: This variant is not present in population databases (ExAC no frequency). This variant has not been reported in the literature in individuals with RAD51D-related disease. Nucleotide substitutions within the consensus splice site are a relatively common cause of aberrant splicing (PMID: 17576681, 9536098). Algorithms developed to predict the effect of sequence changes on RNA splicing suggest that this variant may disrupt the consensus splice site, but this prediction has not been confirmed by published transcriptional studies. In summary, the available evidence is currently insufficient to determine the role of this variant in disease. Therefore, it has been classified as a Variant of Uncertain Significance. This sequence change affects an acceptor splice site in the last intron (intron 9) of the RAD51D gene. While this is not anticipated to result in nonsense mediated decay, it likely alters RNA splicing and results in a disrupted protein product.

Literature cited by the submitters: PubMed 17576681; PubMed 9536098.